The following is an entry in ClinVar:

ClinVar aggregate classification (germline): Uncertain significance (1 of 4 stars; one submission).

Submission:

GeneDx
Classification: Uncertain significance. Last evaluated: 2025-02-07. Review status: criteria provided, single submitter. Criteria: GeneDx Variant Classification Process June 2021. Collection method: clinical testing. Allele origin: germline. Affected: yes.
Comment: Not observed at significant frequency in large population cohorts (gnomAD); In silico analysis supports that this missense variant has a deleterious effect on protein structure/function; Has not been previously published as pathogenic or benign to our knowledge

NM_005826.5(HNRNPR):c.178C>G (p.Leu60Val)

Gene: HNRNPR (heterogeneous nuclear ribonucleoprotein R; minus strand). Cytogenetic location: 1p36.12.
Variant type: single nucleotide variant.
Coding change: c.178C>G on transcript NM_005826.5 (MANE Select); coding-DNA position 178, C replaced by G.
Protein change: p.Leu60Val; replaces leucine 60 with valine.
Molecular consequence: missense variant. On other transcripts: 5 prime UTR variant (4).
Genome position (GRCh38, 1-based): chr1:23,338,588, G>C on the plus strand (C>G on the coding strand, the complement: HNRNPR is on the minus strand). VCF-style: chr1-23338588-G-C. GRCh37 (hg19) VCF-style: chr1-23665081-G-C.
Other names: c.-126C>G (NM_001102397.3, NM_001102399.3, NM_001297621.2 and 1 more transcripts); c.178C>G, p.Leu60Val (NM_001102398.3, NM_001297620.2, NM_001437727.1 and 1 more transcripts); short protein forms L60V.
Identifiers: ClinVar variation 4074688 (VCV004074688.1).